The following is an entry in ClinVar:

ClinVar aggregate classification (germline): Uncertain significance. Review status: criteria provided, multiple submitters, no conflicts (2 of 4 stars). 2 submissions from 2 submitters: Uncertain significance (2). Last evaluated 2022-12-18.

Conditions:
DICER1-related tumor predisposition. Also called: DICER1-related pleuropulmonary blastoma cancer predisposition syndrome; DICER1 syndrome. Identifiers: Orphanet 284343, MedGen C3839822, MONDO:0100216.
Hereditary cancer-predisposing syndrome. Also called: Hereditary neoplastic syndrome; Neoplastic Syndromes, Hereditary; Tumor predisposition; Hereditary Cancer Syndrome. Identifiers: Orphanet 140162, MedGen C0027672, MeSH D009386, MONDO:0015356.

Submissions (2):

Ambry Genetics
Classification: Uncertain significance for Hereditary cancer-predisposing syndrome. Last evaluated: 2022-12-18. Review status: criteria provided, single submitter. Criteria: Ambry Variant Classification Scheme 2023. Collection method: clinical testing. Allele origin: germline.
Comment: The p.S1232N variant (also known as c.3695G>A), located in coding exon 20 of the DICER1 gene, results from a G to A substitution at nucleotide position 3695. The serine at codon 1232 is replaced by asparagine, an amino acid with highly similar properties. This amino acid position is conserved. In addition, this alteration is predicted to be tolerated by in silico analysis. Since supporting evidence is limited at this time, the clinical significance of this alteration remains unclear.

Labcorp Genetics (formerly Invitae), Labcorp
Classification: Uncertain significance for DICER1-related tumor predisposition. Last evaluated: 2021-08-19. Review status: criteria provided, single submitter. Criteria: Invitae Variant Classification Sherloc (09022015). Collection method: clinical testing. Allele origin: germline.
Comment: In summary, this variant is a novel missense change that is not predicted to affect protein function. There is no indication that it causes disease, but the available evidence is currently insufficient to prove that conclusively. Therefore, it has been classified as a Variant of Uncertain Significance. Algorithms developed to predict the effect of missense changes on protein structure and function output the following: (SIFT: "Tolerated"; PolyPhen-2: "Benign"; Align-GVGD: "Class C0"). The asparagine amino acid residue is found in multiple mammalian species, suggesting that this missense change does not adversely affect protein function. These predictions have not been confirmed by published functional studies. This variant is not present in population databases (ExAC no frequency) and has not been reported in the literature in individuals with a DICER1-related disease. This sequence change replaces serine with asparagine at codon 1232 of the DICER1 protein (p.Ser1232Asn). The serine residue is moderately conserved and there is a small physicochemical difference between serine and asparagine.

NM_177438.3(DICER1):c.3695G>A (p.Ser1232Asn)

Gene: DICER1 (dicer 1, ribonuclease III; minus strand). Cytogenetic location: 14q32.13.
Variant type: single nucleotide variant.
Coding change: c.3695G>A on transcript NM_177438.3 (MANE Select); coding-DNA position 3695, G replaced by A.
Protein change: p.Ser1232Asn; replaces serine 1232 with asparagine.
Molecular consequence: missense variant.
Genome position (GRCh38, 1-based): chr14:95,103,701, C>T on the plus strand (G>A on the coding strand, the complement: DICER1 is on the minus strand). VCF-style: chr14-95103701-C-T. GRCh37 (hg19) VCF-style: chr14-95570038-C-T.
Other names: c.3695G>A, p.Ser1232Asn (NM_001195573.1, NM_001271282.3, NM_001291628.2 and 1 more transcripts); short protein forms S1232N.
Identifiers: ClinVar variation 412064 (VCV000412064.11), dbSNP rs1060503597, ClinGen allele CA16614642.
Genomic context (GRCh38, chr14:95,103,701, plus strand): 5'-GAGGTAGATTTGTTAGCATTTCCATCAAGGTATTTATTACTCAGGAGAGTACATTCATCG[C>T]TGGGCTGGGGCTGGTTCTCGTAACTGTATAAATTCTGAATGGAATATGAGGTAGTTGGTT-3'
Protein context (NP_803187.1, residues 1222-1242): LYSYENQPQP[Ser1232Asn]DECTLLSNKY